The following is an entry in ClinVar:

ClinVar aggregate classification (germline): Likely pathogenic (1 of 4 stars; one submission).

Conditions:
Bone fragility with contractures, arterial rupture, and deafness. Also called: BCARD SYNDROME; BONE ABNORMALITIES, CATARACT, ARTERIAL RUPTURE, AND DEAFNESS; LH3 DEFICIENCY; LYSYL HYDROXYLASE 3 DEFICIENCY. Identifiers: Orphanet 300284, MedGen C2676285, MONDO:0012892, OMIM 612394.

gnomAD v4.1: 11 of 1,613,702 alleles (0.00068%); highest among the groups gnomAD compares: Non-Finnish European, 0.00093%; no homozygotes.

Submission:

MVZ Martinsried, Medicover Genetics
Classification: Likely pathogenic for Bone fragility with contractures, arterial rupture, and deafness. Last evaluated: 2025-12-22. Review status: criteria provided, single submitter. Criteria: ClinGen Variant Curation SOP V3.2 + Classification Guidance July2025. Collection method: clinical testing. Allele origin: unknown. Observed: 1 heterozygote.
Comment: PVS1, PM2_Supporting

NM_001084.5(PLOD3):c.1359-1G>T

Gene: PLOD3 (procollagen-lysine,2-oxoglutarate 5-dioxygenase 3; minus strand). Cytogenetic location: 7q22.1.
Variant type: single nucleotide variant.
Coding change: c.1359-1G>T on transcript NM_001084.5 (MANE Select); the canonical splice acceptor site of the intron before coding-DNA position 1359, G replaced by T.
Molecular consequence: splice acceptor variant.
Genome position (GRCh38, 1-based): chr7:101,210,674, C>A on the plus strand (G>T on the coding strand, the complement: PLOD3 is on the minus strand). VCF-style: chr7-101210674-C-A. GRCh37 (hg19) VCF-style: chr7-100853955-C-A.
Identifiers: ClinVar variation 4795166 (VCV004795166.1).
Genomic context (GRCh38, chr7:101,210,674, plus strand): 5'-CGCAGGGTATCACCCCGGATCACATAGGCCTGGGAGATGTATGGTACATTCCACACACCC[C>A]TGGAGGCACCGACACCGCGGTCAGCTGGGAGGACAGCCCCCCAAATTCTGCCCAGCTCAT-3'